The following is an entry in ClinVar:

ClinVar aggregate classification (germline): Uncertain significance (1 of 4 stars; one submission).

gnomAD v4.1: 1 of 1,611,892 alleles (0.000062%); highest among the groups gnomAD compares: Admixed American, 0.0017%; no homozygotes.

Submission:

GeneDx
Classification: Uncertain significance. Last evaluated: 2023-12-12. Review status: criteria provided, single submitter. Criteria: GeneDx Variant Classification Process June 2021. Collection method: clinical testing. Allele origin: germline. Affected: yes.
Comment: Not observed at significant frequency in large population cohorts (gnomAD); In silico analysis supports that this missense variant has a deleterious effect on protein structure/function; Has not been previously published as pathogenic or benign to our knowledge

NM_001267550.2(TTN):c.39215C>T (p.Pro13072Leu)

Gene: TTN (titin; minus strand). Cytogenetic location: 2q31.2.
Variant type: single nucleotide variant.
Coding change: c.39215C>T on transcript NM_001267550.2 (MANE Select); coding-DNA position 39215, C replaced by T.
Protein change: p.Pro13072Leu; replaces proline 13072 with leucine.
Molecular consequence: missense variant. On other transcripts: intron variant (3).
Genome position (GRCh38, 1-based): chr2:178,652,176, G>A on the plus strand (C>T on the coding strand, the complement: TTN is on the minus strand). VCF-style: chr2-178652176-G-A. GRCh37 (hg19) VCF-style: chr2-179516903-G-A.
Other names: c.34694C>T, p.Pro11565Leu (NM_001256850.1); c.31913C>T, p.Pro10638Leu (NM_133378.4); c.13283-9859C>T (NM_003319.4); c.13859-9859C>T (NM_133437.4); c.13658-9859C>T (NM_133432.3); short protein forms P10638L, P11565L, P13072L.
Identifiers: ClinVar variation 3365526 (VCV003365526.1).